The following is an entry in ClinVar:

ClinVar aggregate classification (germline): Uncertain significance (1 of 4 stars; one submission).

Conditions:
Spastic paraplegia. Identifiers: MedGen C0037772, HP:0001258.

Submission:

Labcorp Genetics (formerly Invitae), Labcorp
Classification: Uncertain significance for Spastic paraplegia. Last evaluated: 2023-04-03. Review status: criteria provided, single submitter. Criteria: Invitae Variant Classification Sherloc (09022015). Collection method: clinical testing. Allele origin: germline.
Comment: In summary, the available evidence is currently insufficient to determine the role of this variant in disease. Therefore, it has been classified as a Variant of Uncertain Significance. An algorithm developed to predict the effect of missense changes on protein structure and function (PolyPhen-2) suggests that this variant is likely to be disruptive. This variant has not been reported in the literature in individuals affected with ZFYVE26-related conditions. This variant is not present in population databases (gnomAD no frequency). This sequence change replaces leucine, which is neutral and non-polar, with valine, which is neutral and non-polar, at codon 572 of the ZFYVE26 protein (p.Leu572Val).

NM_015346.4(ZFYVE26):c.1714C>G (p.Leu572Val)

Gene: ZFYVE26 (zinc finger FYVE-type containing 26; minus strand). Cytogenetic location: 14q24.1.
Variant type: single nucleotide variant.
Coding change: c.1714C>G on transcript NM_015346.4 (MANE Select); coding-DNA position 1714, C replaced by G.
Protein change: p.Leu572Val; replaces leucine 572 with valine.
Molecular consequence: missense variant.
Genome position (GRCh38, 1-based): chr14:67,798,548, G>C on the plus strand (C>G on the coding strand, the complement: ZFYVE26 is on the minus strand). VCF-style: chr14-67798548-G-C. GRCh37 (hg19) VCF-style: chr14-68265265-G-C.
Other names: short protein forms L572V.
Identifiers: ClinVar variation 2753938 (VCV002753938.3), dbSNP rs750682496, ClinGen allele CA390176025.